The following is an entry in ClinVar:

ClinVar aggregate classification (germline): Uncertain significance (1 of 4 stars; one submission).

Conditions:
Hereditary cancer-predisposing syndrome. Also called: Neoplastic Syndromes, Hereditary; Hereditary Cancer Syndrome; Tumor predisposition; Hereditary neoplastic syndrome. Identifiers: Orphanet 140162, MedGen C0027672, MeSH D009386, MONDO:0015356.

Submission:

Ambry Genetics
Classification: Uncertain significance for Hereditary cancer-predisposing syndrome. Last evaluated: 2025-01-03. Review status: criteria provided, single submitter. Criteria: Ambry Variant Classification Scheme 2023. Collection method: clinical testing. Allele origin: germline.
Comment: The p.F309C variant (also known as c.926T>G), located in coding exon 8 of the STK11 gene, results from a T to G substitution at nucleotide position 926. The phenylalanine at codon 309 is replaced by cysteine, an amino acid with highly dissimilar properties. This amino acid position is conserved. In addition, the in silico prediction for this alteration is inconclusive. Based on the available evidence, the clinical significance of this variant remains unclear.

NM_000455.5(STK11):c.926T>G (p.Phe309Cys)

Gene: STK11 (serine/threonine kinase 11; plus strand). Cytogenetic location: 19p13.3.
Variant type: single nucleotide variant.
Coding change: c.926T>G on transcript NM_000455.5 (MANE Select); coding-DNA position 926, T replaced by G.
Protein change: p.Phe309Cys; replaces phenylalanine 309 with cysteine.
Molecular consequence: missense variant. On other transcripts: non-coding transcript variant (1).
Genome position (GRCh38, 1-based): chr19:1,222,990, T>G. VCF-style: chr19-1222990-T-G. GRCh37 (hg19) VCF-style: chr19-1222989-T-G.
Other names: c.926T>G, p.Phe309Cys (NM_001407255.1); short protein forms F309C.
Identifiers: ClinVar variation 3802392 (VCV003802392.1).
Genomic context (GRCh38, chr19:1,222,990, plus strand): 5'-ACTGGACCGCCCTGGTGCCAGCCTGACAGGCGCCACTGCTTCTGGGCGTTTGCAGCTGGT[T>G]CCGGAAGAAACATCCTCCGGCTGAAGCACCAGTGCCCATCCCACCGAGCCCAGACACCAA-3'
Protein context (NP_000446.1, residues 299-319): SIRQIRQHSW[Phe309Cys]RKKHPPAEAP